The following is an entry in ClinVar:

ClinVar aggregate classification (germline): Uncertain significance. Review status: criteria provided, multiple submitters, no conflicts (2 of 4 stars). 2 submissions from 2 submitters: Uncertain significance (2). Last evaluated 2024-11-26.

Conditions:
Finnish type amyloidosis. Also called: AMYLOID CRANIAL NEUROPATHY WITH LATTICE CORNEAL DYSTROPHY; AMYLOIDOSIS DUE TO MUTANT GELSOLIN; Lattice corneal dystrophy associated with familial systemic amyloidosis; Meretoja's syndrome; Lattice dystrophy of the cornea with hereditary generalized amyloidosis; Amyloidosis, familial, Finnish type. Identifiers: Orphanet 85448, MedGen C1622345, MONDO:0007097, OMIM 105120.

Allele frequency attached by ClinVar (database versions not stated): gnomAD 0.00001; gnomAD exomes 0.00001 and 0.00002; ExAC 0.00002; TOPMed 0.00002.
gnomAD v4.1: 14 of 1,614,018 alleles (0.00087%); highest among the groups gnomAD compares: Admixed American, 0.01%; no homozygotes.

Submissions (2):

Labcorp Genetics (formerly Invitae), Labcorp
Classification: Uncertain significance. Last evaluated: 2024-11-26. Review status: criteria provided, single submitter. Criteria: Invitae Variant Classification Sherloc (09022015). Collection method: clinical testing. Allele origin: germline.
Comment: This sequence change replaces alanine, which is neutral and non-polar, with threonine, which is neutral and polar, at codon 322 of the GSN protein (p.Ala322Thr). This variant is present in population databases (rs761334580, gnomAD 0.01%). This variant has not been reported in the literature in individuals affected with GSN-related conditions. ClinVar contains an entry for this variant (Variation ID: 1387217). Invitae Evidence Modeling of protein sequence and biophysical properties (such as structural, functional, and spatial information, amino acid conservation, physicochemical variation, residue mobility, and thermodynamic stability) indicates that this missense variant is not expected to disrupt GSN protein function with a negative predictive value of 80%. In summary, the available evidence is currently insufficient to determine the role of this variant in disease. Therefore, it has been classified as a Variant of Uncertain Significance.

Fulgent Genetics
Classification: Uncertain significance for Finnish type amyloidosis. Last evaluated: 2022-03-10. Review status: criteria provided, single submitter. Criteria: ACMG Guidelines, 2015. Collection method: clinical testing. Allele origin: unknown.

NM_198252.3(GSN):c.811G>A (p.Ala271Thr)

Gene: GSN (gelsolin; plus strand). Cytogenetic location: 9q33.2.
Variant type: single nucleotide variant.
Coding change: c.811G>A on transcript NM_198252.3 (MANE Select); coding-DNA position 811, G replaced by A.
Protein change: p.Ala271Thr; replaces alanine 271 with threonine.
Molecular consequence: missense variant.
Genome position (GRCh38, 1-based): chr9:121,317,143, G>A. VCF-style: chr9-121317143-G-A. GRCh37 (hg19) VCF-style: chr9-124079421-G-A.
Other names: c.844G>A, p.Ala282Thr (NM_001353068.2, NM_001353069.2, NM_001353070.2 and 13 more transcripts); c.883G>A, p.Ala295Thr (NM_001353076.2); c.157G>A, p.Ala53Thr (NM_001353078.2); c.964G>A, p.Ala322Thr (NM_000177.5); c.811G>A, p.Ala271Thr (NM_001127662.2, NM_001127664.2, NM_001127665.2 and 10 more transcripts); c.919G>A, p.Ala307Thr (NM_001127663.2); c.862G>A, p.Ala288Thr (NM_001258029.2); c.835G>A, p.Ala279Thr (NM_001258030.2); short protein forms A282T, A307T, A53T, A271T, A279T, A295T, A288T, A322T.
Identifiers: ClinVar variation 1387217 (VCV001387217.7), dbSNP rs761334580, ClinGen allele CA5221052.
Genomic context (GRCh38, chr9:121,317,143, plus strand): 5'-CAGGTCTCCAATGGTGCAGGGACCATGTCCGTCTCCCTCGTGGCTGATGAGAACCCCTTC[G>A]CCCAGGGGGCCCTGAAGTCAGAGGACTGCTTCATCCTGGACCACGGCAAAGATGGGAAAA-3'
Protein context (NP_937895.1, residues 261-281): VSLVADENPF[Ala271Thr]QGALKSEDCF